The following is an entry in ClinVar:

ClinVar aggregate classification (germline): Uncertain significance. Review status: criteria provided, multiple submitters, no conflicts (2 of 4 stars). 3 submissions from 3 submitters: Uncertain significance (3). Last evaluated 2025-08-27.

Conditions:
Hereditary cancer-predisposing syndrome. Also called: Neoplastic Syndromes, Hereditary; Tumor predisposition; Hereditary Cancer Syndrome; Hereditary neoplastic syndrome. Identifiers: Orphanet 140162, MedGen C0027672, MeSH D009386, MONDO:0015356.
Familial adenomatous polyposis 2. Also called: Adenomas, multiple colorectal; MUTYH Polyposis; COLORECTAL ADENOMATOUS POLYPOSIS, AUTOSOMAL RECESSIVE; ADENOMAS, MULTIPLE COLORECTAL, AUTOSOMAL RECESSIVE; MUTYH-associated polyposis; MUTYH-related attenuated familial adenomatous polyposis. Identifiers: Orphanet 220460, Orphanet 247798, MedGen C3272841, MONDO:0012041, OMIM 608456.

Submissions (3):

Ambry Genetics
Classification: Uncertain significance for Hereditary cancer-predisposing syndrome. Last evaluated: 2025-08-27. Review status: criteria provided, single submitter. Criteria: Ambry Variant Classification Scheme 2023. Collection method: clinical testing. Allele origin: germline.
Comment: The p.Q512E variant (also known as c.1534C>G), located in coding exon 16 of the MUTYH gene, results from a C to G substitution at nucleotide position 1534. The glutamine at codon 512 is replaced by glutamic acid, an amino acid with highly similar properties. This amino acid position is conserved. In addition, this alteration is predicted to be tolerated by in silico analysis. Based on the available evidence, the clinical significance of this variant remains unclear.

Color Diagnostics, LLC DBA Color Health
Classification: Uncertain significance for Hereditary cancer-predisposing syndrome. Last evaluated: 2024-03-06. Review status: criteria provided, single submitter. Criteria: ACMG Guidelines, 2015. Collection method: clinical testing. Allele origin: germline.
Comment: This missense variant replaces glutamine with glutamic acid at codon 512 of the MUTYH protein. Computational prediction suggests that this variant may not impact protein structure and function (internally defined REVEL score threshold <= 0.5, PMID: 27666373). Splice site prediction tools suggest that this variant may not impact RNA splicing. To our knowledge, functional studies have not been performed for this variant. This variant has not been reported in individuals affected with hereditary cancer in the literature. This variant has not been identified in the general population by the Genome Aggregation Database (gnomAD). The available evidence is insufficient to determine the role of this variant in disease conclusively. Therefore, this variant is classified as a Variant of Uncertain Significance.

Labcorp Genetics (formerly Invitae), Labcorp
Classification: Uncertain significance for Familial adenomatous polyposis 2. Last evaluated: 2019-09-30. Review status: criteria provided, single submitter. Criteria: Invitae Variant Classification Sherloc (09022015). Collection method: clinical testing. Allele origin: germline.
Comment: This variant has not been reported in the literature in individuals with MUTYH-related conditions. In summary, the available evidence is currently insufficient to determine the role of this variant in disease. Therefore, it has been classified as a Variant of Uncertain Significance. Algorithms developed to predict the effect of missense changes on protein structure and function (SIFT, PolyPhen-2, Align-GVGD) all suggest that this variant is likely to be tolerated, but these predictions have not been confirmed by published functional studies and their clinical significance is uncertain. This variant is not present in population databases (ExAC no frequency). This sequence change replaces glutamine with glutamic acid at codon 512 of the MUTYH protein (p.Gln512Glu). The glutamine residue is moderately conserved and there is a small physicochemical difference between glutamine and glutamic acid.

NM_001048174.2(MUTYH):c.1450C>G (p.Gln484Glu)

Gene: MUTYH (mutY DNA glycosylase; minus strand). Cytogenetic location: 1p34.1.
Variant type: single nucleotide variant.
Coding change: c.1450C>G on transcript NM_001048174.2 (MANE Select); coding-DNA position 1450, C replaced by G.
Protein change: p.Gln484Glu; replaces glutamine 484 with glutamic acid.
Molecular consequence: missense variant. On other transcripts: non-coding transcript variant (2).
Genome position (GRCh38, 1-based): chr1:45,329,422, G>C on the plus strand (C>G on the coding strand, the complement: MUTYH is on the minus strand). VCF-style: chr1-45329422-G-C. GRCh37 (hg19) VCF-style: chr1-45795094-G-C.
Other names: c.1450C>G, p.Gln484Glu (NM_001048171.2, NM_001048173.2, NM_001293195.2); c.1453C>G, p.Gln485Glu (NM_001048172.2); c.1534C>G, p.Gln512Glu (NM_001128425.2); c.1495C>G, p.Gln499Glu (NM_001293190.2); c.1483C>G, p.Gln495Glu (NM_001293191.2); c.1174C>G, p.Gln392Glu (NM_001293192.2, NM_001293196.2); c.1105C>G, p.Gln369Glu (NM_001350650.2, NM_001350651.2); c.1525C>G, p.Gln509Glu (NM_012222.3); short protein forms Q369E, Q484E, Q509E, Q512E, Q392E, Q485E, Q495E, Q499E.
Identifiers: ClinVar variation 921710 (VCV000921710.15), dbSNP rs1644379783, ClinGen allele CA340131912.